The following is an entry in ClinVar:

ClinVar aggregate classification (germline): Likely benign. Review status: criteria provided, multiple submitters, no conflicts (2 of 4 stars). 9 submissions from 9 submitters: Likely benign (7). 2 of the submissions do not count toward it. Last evaluated 2026-01-26.

Conditions:
Neutropenia, severe congenital, 2, autosomal dominant. Identifiers: Orphanet 486, MedGen C2751288, MONDO:0013139, OMIM 613107.

Allele frequency attached by ClinVar (database versions not stated): 1000 Genomes Project 30x 0.00109; 1000 Genomes Project 0.00120; ESP Exome Variant Server 0.00169; gnomAD exomes 0.00221 and 0.00395; TOPMed 0.00241; ExAC 0.00258; gnomAD 0.00260 and 0.00269.
gnomAD v4.1: 6,159 of 1,611,614 alleles (0.38%); highest among the groups gnomAD compares: Non-Finnish European, 0.47%; 15 homozygotes.

Submissions (11):

Labcorp Genetics (formerly Invitae), Labcorp
Classification: Likely benign for Neutropenia, severe congenital, 2, autosomal dominant. Last evaluated: 2026-01-26. Review status: criteria provided, single submitter. Criteria: Invitae Variant Classification Sherloc (09022015). Collection method: clinical testing. Allele origin: germline.

CeGaT Center for Human Genetics Tuebingen
Classification: Likely benign. Last evaluated: 2026-01-01. Review status: criteria provided, single submitter. Criteria: CeGaT Center For Human Genetics Tuebingen Variant Classification Criteria Version 2. Collection method: clinical testing. Allele origin: germline. Affected: yes. Observed: 6 variant alleles.
Comment: GFI1: BP4, BS2

Genomic Medicine Center of Excellence, King Faisal Specialist Hospital and Research Centre
Classification: Likely benign. Last evaluated: 2025-08-18. Review status: criteria provided, single submitter. Criteria: ACMG Guidelines, 2015. Collection method: clinical testing. Allele origin: germline.

Blueprint Genetics
Classification: Likely benign. Last evaluated: 2024-11-15. Review status: criteria provided, single submitter. Criteria: ACMG Guidelines, 2015. Collection method: clinical testing. Allele origin: germline.

Genetic Services Laboratory, University of Chicago
Classification: Likely benign. Last evaluated: 2017-01-19. Review status: criteria provided, single submitter. Criteria: ACMG Guidelines, 2015. Collection method: clinical testing. Allele origin: germline. Affected: no.

Breakthrough Genomics
Classification: Likely benign. Review status: criteria provided, single submitter. Criteria: ACMG Guidelines, 2015. Collection method: not provided. Allele origin: germline. Inheritance: Autosomal dominant inheritance. Affected: yes.

PreventionGenetics, part of Exact Sciences
Classification: Likely benign. Review status: criteria provided, single submitter. Criteria: ACMG Guidelines, 2015. Collection method: clinical testing. Allele origin: germline.

Clinical Genetics DNA and cytogenetics Diagnostics Lab, Erasmus MC, Erasmus Medical Center
Classification: Likely benign. Review status: no assertion criteria provided. Collection method: clinical testing. Allele origin: germline. Affected: yes. Study: VKGL Data-share Consensus. Not counted in ClinVar's aggregate classification.

Dr. Peter K. Rogan Lab, Western University
No classification provided (evidence only). Condition: Clear cell carcinoma of kidney. Review status: no classification provided. Collection method: in vitro. Allele origin: not applicable. Functional consequence: retained intron. Not counted in ClinVar's aggregate classification.

Dr. Peter K. Rogan Lab, Western University
No classification provided (evidence only). Condition: Lung cancer. Review status: no classification provided. Collection method: in vitro. Allele origin: not applicable. Functional consequence: retained intron. Not counted in ClinVar's aggregate classification.

Genome Diagnostics Laboratory, University Medical Center Utrecht
Classification: Likely benign. Review status: no assertion criteria provided. Collection method: clinical testing. Allele origin: germline. Affected: yes. Study: VKGL Data-share Consensus. Not counted in ClinVar's aggregate classification.

NM_005263.5(GFI1):c.319C>G (p.Pro107Ala)

Gene: GFI1 (growth factor independent 1 transcriptional repressor; minus strand). Cytogenetic location: 1p22.1.
Variant type: single nucleotide variant.
Coding change: c.319C>G on transcript NM_005263.5 (MANE Select); coding-DNA position 319, C replaced by G.
Protein change: p.Pro107Ala; replaces proline 107 with alanine.
Molecular consequence: missense variant.
Genome position (GRCh38, 1-based): chr1:92,481,068, G>C on the plus strand (C>G on the coding strand, the complement: GFI1 is on the minus strand). VCF-style: chr1-92481068-G-C. GRCh37 (hg19) VCF-style: chr1-92946625-G-C.
Other names: c.319C>G, p.Pro107Ala (NM_001127215.3, NM_001127216.3); c.319C>G (NM_001127216.2); short protein forms P107A.
Identifiers: ClinVar variation 259703 (VCV000259703.52), dbSNP rs149914857, ClinGen allele CA951415.